The following is an entry in ClinVar:

NM_001370259.2(MEN1):c.1534del (p.Ser512fs)

Gene: MEN1 (menin 1; minus strand). Cytogenetic location: 11q13.1.
Variant type: Deletion.
Coding change: c.1534del on transcript NM_001370259.2 (MANE Select); coding-DNA position 1534, one base deleted (T; older notation c.1534delT).
Protein change: p.Ser512fs; shifts the reading frame from serine 512.
Molecular consequence: frameshift variant. On other transcripts: non-coding transcript variant (4).
Genome position (GRCh38, 1-based): chr11:64,804,633, A deleted on the plus strand (T on the coding strand, the reverse complement: MEN1 is on the minus strand). VCF-style (leftmost placement, unchanged base first): chr11-64804632-GA-G. GRCh37 (hg19) VCF-style: chr11-64572104-GA-G.
Other names: c.1549del, p.Ser517fs (NM_000244.4, NM_001407145.1, NM_130800.3 and 4 more transcripts); c.1660del, p.Ser554fs (NM_001370251.2, NM_001407142.1, NM_001407143.1 and 1 more transcripts); c.1534del, p.Ser512fs (NM_001370260.2, NM_001370261.2, NM_001407146.1 and 2 more transcripts); c.1429del, p.Ser477fs (NM_001370262.2, NM_001370263.2, NM_001407148.1 and 1 more transcripts); c.1675del, p.Ser559fs (NM_001407150.1); c.1555del, p.Ser519fs (NM_001407151.1); c.1369del, p.Ser457fs (NM_001407152.1); short protein forms S517fs, S457fs, S559fs, S477fs, S512fs, S519fs, S554fs.
Identifiers: ClinVar variation 4106552 (VCV004106552.1).

ClinVar aggregate classification (germline): Pathogenic (1 of 4 stars; one submission).

Conditions:
Hereditary cancer-predisposing syndrome. Also called: Tumor predisposition; Neoplastic Syndromes, Hereditary; Hereditary neoplastic syndrome; Hereditary Cancer Syndrome. Identifiers: Orphanet 140162, MedGen C0027672, MeSH D009386, MONDO:0015356.

Submission:

Ambry Genetics
Classification: Pathogenic for Hereditary cancer-predisposing syndrome. Last evaluated: 2025-07-15. Review status: criteria provided, single submitter. Criteria: Ambry Variant Classification Scheme 2023. Collection method: clinical testing. Allele origin: germline.
Comment: The c.1534delT pathogenic mutation, located in coding exon 9 of the MEN1 gene, results from a deletion of one nucleotide at nucleotide position 1534, causing a translational frameshift with a predicted alternate stop codon (p.S512Qfs*47). This alteration occurs at the 3' terminus of theMEN1 gene, is not expected to trigger nonsense-mediated mRNA decay, and impacts the last 7.5% of the protein. However, premature stop codons are typically deleterious in nature and the impacted region is critical for protein function (Ambry internal data). This variant was reported in individual(s) with features consistent with multiple endocrine neoplasia type 1 (MEN1) (Ambry internal data). This variant is considered to be rare based on population cohorts in the Genome Aggregation Database (gnomAD). Based on the supporting evidence, this variant is interpreted as a disease-causing mutation.